The following is an entry in ClinVar:

ClinVar aggregate classification (germline): Pathogenic (1 of 4 stars; one submission).

Submission:

Athena Diagnostics
Classification: Pathogenic. Last evaluated: 2024-01-22. Review status: criteria provided, single submitter. Criteria: Athena Diagnostics Criteria. Collection method: clinical testing. Allele origin: unknown.
Comment: This variant is expected to result in the loss of a functional protein. This variant has been identified in at least one individual tested at Athena Diagnostics with clinical features associated with this gene. This variant has not been reported in large, multi-ethnic general populations.

NM_014946.4(SPAST):c.1113_1119del (p.Arg372fs)

Gene: SPAST (spastin; plus strand). Cytogenetic location: 2p22.3.
Variant type: Deletion.
Coding change: c.1113_1119del on transcript NM_014946.4 (MANE Select); coding-DNA positions 1113 to 1119, 7 bases deleted (TAGAGCT; older notation c.1113_1119delTAGAGCT).
Protein change: p.Arg372fs; shifts the reading frame from arginine 372.
Molecular consequence: frameshift variant.
Genome position (GRCh38, 1-based): chr2:32,126,962-32,126,968, TAGAGCT deleted; deleting any 7 consecutive bases within chr2:32,126,959-32,126,968 gives the same sequence; the c. name uses the placement nearest the transcript's 3' end. VCF-style (leftmost placement, unchanged base first): chr2-32126958-GGCTTAGA-G. GRCh37 (hg19) VCF-style: chr2-32352027-GGCTTAGA-G.
Other names: c.1110_1116del, p.Arg371fs (NM_001363823.2); c.1014_1020del, p.Arg339fs (NM_001363875.2); c.1017_1023del, p.Arg340fs (NM_001377959.1, NM_199436.2); c.1113_1119delTAGAGCT, p.Arg372Leufs (NM_014946.3); short protein forms R340fs, R339fs, R371fs, R372fs.
Identifiers: ClinVar variation 3571839 (VCV003571839.1).